The following is an entry in ClinVar:

ClinVar aggregate classification (germline): Uncertain significance. Review status: criteria provided, multiple submitters, no conflicts (2 of 4 stars). 2 submissions from 2 submitters: Uncertain significance (2). Last evaluated 2024-12-09.

Conditions:
Congenital hyperammonemia, type I. Also called: CPS I DEFICIENCY; Carbamoyl-phosphate synthase I deficiency; Carbamoyl phosphate synthetase 1 deficiency; Hyperammonemia due to carbamoyl phosphate synthetase 1 deficiency; CPS 1 deficiency; Carbamyl phosphate synthetase (CPS) deficiency. Identifiers: Orphanet 147, MedGen C4082171, MONDO:0009376, OMIM 237300.
Inborn genetic diseases. Identifiers: MedGen C0950123, MeSH D030342.

Allele frequency attached by ClinVar (database versions not stated): gnomAD exomes 0.00001; ExAC 0.00002; TOPMed 0.00012; gnomAD 0.00014.
gnomAD v4.1: 38 of 1,613,678 alleles (0.0024%); highest among the groups gnomAD compares: African/African-American, 0.049%; no homozygotes.

Submissions (2):

Labcorp Genetics (formerly Invitae), Labcorp
Classification: Uncertain significance for Congenital hyperammonemia, type I. Last evaluated: 2024-12-09. Review status: criteria provided, single submitter. Criteria: Invitae Variant Classification Sherloc (09022015). Collection method: clinical testing. Allele origin: germline.
Comment: This sequence change falls in intron 22 of the CPS1 gene. It does not directly change the encoded amino acid sequence of the CPS1 protein. It affects a nucleotide within the consensus splice site. This variant is present in population databases (rs373574684, gnomAD 0.05%). This variant has not been reported in the literature in individuals affected with CPS1-related conditions. ClinVar contains an entry for this variant (Variation ID: 2196269). Variants that disrupt the consensus splice site are a relatively common cause of aberrant splicing (PMID: 17576681, 9536098). Algorithms developed to predict the effect of sequence changes on RNA splicing suggest that this variant is not likely to affect RNA splicing. In summary, the available evidence is currently insufficient to determine the role of this variant in disease. Therefore, it has been classified as a Variant of Uncertain Significance.

Ambry Genetics
Classification: Uncertain significance for Inborn genetic diseases. Last evaluated: 2022-02-25. Review status: criteria provided, single submitter. Criteria: Ambry Variant Classification Scheme 2023. Collection method: clinical testing. Allele origin: germline.
Comment: The c.2829+6G>A intronic alteration consists of a G to A substitution 6 nucleotides after exon 22 of the CPS1 gene. Based on insufficient or conflicting evidence, the clinical significance of this alteration remains unclear.

Literature cited by the submitters: PubMed 17576681 (cited by Labcorp Genetics (formerly Invitae), Labcorp); PubMed 9536098 (cited by Labcorp Genetics (formerly Invitae), Labcorp).

NM_001875.5(CPS1):c.2829+6G>A

Gene: CPS1 (carbamoyl-phosphate synthase 1; plus strand). Cytogenetic location: 2q34.
Variant type: single nucleotide variant.
Coding change: c.2829+6G>A on transcript NM_001875.5 (MANE Select); 6 bases into the intron after coding-DNA position 2829, G replaced by A.
Molecular consequence: intron variant.
Genome position (GRCh38, 1-based): chr2:210,637,849, G>A. VCF-style: chr2-210637849-G-A. GRCh37 (hg19) VCF-style: chr2-211502573-G-A.
Other names: c.2829+6G>A (NM_001875.4, NM_001369257.1, NM_001122633.3); c.2862+6G>A (NM_001369256.1).
Identifiers: ClinVar variation 2196269 (VCV002196269.3), dbSNP rs373574684, ClinGen allele CA2086749.